The following is an entry in ClinVar:

ClinVar aggregate classification (germline): Uncertain significance. Review status: criteria provided, multiple submitters, no conflicts (2 of 4 stars). 2 submissions from 2 submitters: Uncertain significance (2). Last evaluated 2025-01-15.

Allele frequency attached by ClinVar (database versions not stated): gnomAD 0.00001; gnomAD exomes 0.00001; TOPMed 0.00001; ExAC 0.00002.
gnomAD v4.1: 18 of 1,595,988 alleles (0.0011%); highest among the groups gnomAD compares: Middle Eastern, 0.017%; no homozygotes.

Submissions (2):

Labcorp Genetics (formerly Invitae), Labcorp
Classification: Uncertain significance. Last evaluated: 2025-01-15. Review status: criteria provided, single submitter. Criteria: Invitae Variant Classification Sherloc (09022015). Collection method: clinical testing. Allele origin: germline.
Comment: This sequence change replaces proline, which is neutral and non-polar, with leucine, which is neutral and non-polar, at codon 1439 of the TRIOBP protein (p.Pro1439Leu). This variant is present in population databases (rs768859839, gnomAD 0.001%). This variant has not been reported in the literature in individuals affected with TRIOBP-related conditions. ClinVar contains an entry for this variant (Variation ID: 2419027). An algorithm developed to predict the effect of missense changes on protein structure and function outputs the following: PolyPhen-2: "Benign". The leucine amino acid residue is found in multiple mammalian species, which suggests that this missense change does not adversely affect protein function. In summary, the available evidence is currently insufficient to determine the role of this variant in disease. Therefore, it has been classified as a Variant of Uncertain Significance.

Blueprint Genetics
Classification: Uncertain significance. Last evaluated: 2023-01-10. Review status: criteria provided, single submitter. Criteria: ACMG Guidelines, 2015. Collection method: clinical testing. Allele origin: germline.

NM_001039141.3(TRIOBP):c.4316C>T (p.Pro1439Leu)

Gene: TRIOBP (TRIO and F-actin binding protein; plus strand). Cytogenetic location: 22q13.1.
Variant type: single nucleotide variant.
Coding change: c.4316C>T on transcript NM_001039141.3 (MANE Select); coding-DNA position 4316, C replaced by T.
Protein change: p.Pro1439Leu; replaces proline 1439 with leucine.
Molecular consequence: missense variant.
Genome position (GRCh38, 1-based): chr22:37,734,652, C>T. VCF-style: chr22-37734652-C-T. GRCh37 (hg19) VCF-style: chr22-38130659-C-T.
Other names: short protein forms P1439L.
Identifiers: ClinVar variation 2419027 (VCV002419027.7), dbSNP rs768859839, ClinGen allele CA10224354.